The following is an entry in ClinVar:

ClinVar aggregate classification (germline): Benign/Likely benign. Review status: criteria provided, multiple submitters, no conflicts (2 of 4 stars). 3 submissions from 3 submitters: Benign (1); Likely benign (2). Last evaluated 2025-06-18.

Conditions:
Hereditary cancer-predisposing syndrome. Also called: Hereditary Cancer Syndrome; Neoplastic Syndromes, Hereditary; Hereditary neoplastic syndrome; Tumor predisposition. Identifiers: Orphanet 140162, MedGen C0027672, MeSH D009386, MONDO:0015356.
Lynch syndrome 5 (LYNCH5). Also called: Colorectal cancer, hereditary nonpolyposis, type 5; Hereditary non-polyposis colorectal cancer, type 5. Identifiers: Orphanet 144, MedGen C1833477, MONDO:0013710, OMIM 614350. Disease mechanism: loss of function.
Hereditary nonpolyposis colorectal neoplasms. Identifiers: MedGen C0009405, MeSH D003123.

Submissions (3):

Labcorp Genetics (formerly Invitae), Labcorp
Classification: Likely benign for Hereditary nonpolyposis colorectal neoplasms. Last evaluated: 2025-06-18. Review status: criteria provided, single submitter. Criteria: Invitae Variant Classification Sherloc (09022015). Collection method: clinical testing. Allele origin: germline.

Myriad Genetics, Inc.
Classification: Benign for Lynch syndrome 5. Last evaluated: 2024-12-31. Review status: criteria provided, single submitter. Criteria: Myriad Autosomal Dominant, Autosomal Recessive and X-Linked Classification Criteria (2023). Collection method: clinical testing. Allele origin: unknown.
Comment: This variant is considered benign. This variant is a silent/synonymous amino acid change and it is not expected to impact splicing.

Ambry Genetics
Classification: Likely benign for Hereditary cancer-predisposing syndrome. Last evaluated: 2020-09-16. Review status: criteria provided, single submitter. Criteria: Ambry Variant Classification Scheme 2023. Collection method: clinical testing. Allele origin: germline.

NM_000179.3(MSH6):c.2496G>A (p.Leu832=)

Gene: MSH6 (mutS homolog 6; plus strand). Cytogenetic location: 2p16.3.
Variant type: single nucleotide variant.
Coding change: c.2496G>A on transcript NM_000179.3 (MANE Select); coding-DNA position 2496, G replaced by A.
Protein change: p.Leu832=; no amino-acid change (leucine 832 retained).
Molecular consequence: synonymous variant.
Genome position (GRCh38, 1-based): chr2:47,800,479, G>A. VCF-style: chr2-47800479-G-A. GRCh37 (hg19) VCF-style: chr2-48027618-G-A.
Other names: c.2106G>A, p.Leu702= (NM_001281492.2); c.1590G>A, p.Leu530= (NM_001281493.2, NM_001281494.2).
Identifiers: ClinVar variation 1140159 (VCV001140159.14), dbSNP rs1287985839, ClinGen allele CA426121511.